The following is an entry in ClinVar:

ClinVar aggregate classification (germline): Uncertain significance (1 of 4 stars; one submission).

Conditions:
CYP27A1-related disorder. Also called: CYP27A1-related condition.

Submission:

PreventionGenetics, part of Exact Sciences
Classification: Uncertain significance for CYP27A1-related condition. Last evaluated: 2025-05-17. Review status: criteria provided, single submitter. Criteria: ACMG Guidelines, 2015. Collection method: clinical testing. Allele origin: germline.
Comment: The CYP27A1 c.920T>A variant is predicted to result in the amino acid substitution p.Val307Glu. To our knowledge, this variant has not been reported in the literature or in a large population database (gnomAD), indicating this variant is rare. At this time, the clinical significance of this variant is uncertain due to the absence of conclusive functional and genetic evidence.

NM_000784.4(CYP27A1):c.920T>A (p.Val307Glu)

Gene: CYP27A1 (cytochrome P450 family 27 subfamily A member 1; plus strand). Cytogenetic location: 2q35.
Variant type: single nucleotide variant.
Coding change: c.920T>A on transcript NM_000784.4 (MANE Select); coding-DNA position 920, T replaced by A.
Protein change: p.Val307Glu; replaces valine 307 with glutamic acid.
Molecular consequence: missense variant.
Genome position (GRCh38, 1-based): chr2:218,812,999, T>A. VCF-style: chr2-218812999-T-A. GRCh37 (hg19) VCF-style: chr2-219677722-T-A.
Other names: short protein forms V307E.
Identifiers: ClinVar variation 4999296 (VCV004999296.1).
Genomic context (GRCh38, chr2:218,812,999, plus strand): 5'-ATGAGAAGCTCGAAGATATGGAGGCCCAACTGCAGGCAGCAGGGCCAGATGGCATCCAGG[T>A]GTCTGGCTACCTGCACTTCTTACTGGCCAGTGGACAGCTCAGTCCTCGGGAGGCCATGGG-3'
Protein context (NP_000775.1, residues 297-317): LQAAGPDGIQ[Val307Glu]SGYLHFLLAS